The following is an entry in ClinVar:

NM_002474.3(MYH11):c.319G>C (p.Glu107Gln)

Gene: MYH11 (myosin heavy chain 11; minus strand). Cytogenetic location: 16p13.11.
Variant type: single nucleotide variant.
Coding change: c.319G>C on transcript NM_002474.3 (MANE Select); coding-DNA position 319, G replaced by C.
Protein change: p.Glu107Gln; replaces glutamic acid 107 with glutamine.
Molecular consequence: missense variant.
Genome position (GRCh38, 1-based): chr16:15,837,934, C>G on the plus strand (G>C on the coding strand, the complement: MYH11 is on the minus strand). VCF-style: chr16-15837934-C-G. GRCh37 (hg19) VCF-style: chr16-15931791-C-G.
Other names: c.319G>C, p.Glu107Gln (NM_001040113.2, NM_001040114.2, NM_022844.3); short protein forms E107Q.
Identifiers: ClinVar variation 3222379 (VCV003222379.1), dbSNP rs2507036062, ClinGen allele CA395198193.

ClinVar aggregate classification (germline): Uncertain significance (1 of 4 stars; one submission).

Conditions:
Familial thoracic aortic aneurysm and aortic dissection (TAAD). Also called: Thoracic aortic aneurysms and dissections. Identifiers: Orphanet 91387, MedGen C4707243, MONDO:0019625.

Submission:

Ambry Genetics
Classification: Uncertain significance for Familial thoracic aortic aneurysm and aortic dissection. Last evaluated: 2023-11-23. Review status: criteria provided, single submitter. Criteria: Ambry Variant Classification Scheme 2023. Collection method: clinical testing. Allele origin: germline.
Comment: The p.E107Q variant (also known as c.319G>C), located in coding exon 1 of the MYH11 gene, results from a G to C substitution at nucleotide position 319. The glutamic acid at codon 107 is replaced by glutamine, an amino acid with highly similar properties. This amino acid position is conserved. In addition, the in silico prediction for this alteration is inconclusive. Since supporting evidence is limited at this time, the clinical significance of this alteration remains unclear.